The following is an entry in ClinVar:

ClinVar aggregate classification (germline): Uncertain significance (1 of 4 stars; one submission).

Conditions:
Emery-Dreifuss muscular dystrophy (EDMD). Also called: Scapuloperoneal syndrome, X-linked (formerly); Humeroperoneal neuromuscular disease, (formerly). Identifiers: Orphanet 261, MedGen C0410189, MONDO:0016830.

Submission:

Labcorp Genetics (formerly Invitae), Labcorp
Classification: Uncertain significance for Emery-Dreifuss muscular dystrophy. Last evaluated: 2025-07-29. Review status: criteria provided, single submitter. Criteria: Invitae Variant Classification Sherloc (09022015). Collection method: clinical testing. Allele origin: germline.
Comment: This sequence change replaces lysine, which is basic and polar, with asparagine, which is neutral and polar, at codon 631 of the SUN2 protein (p.Lys631Asn). This variant is not present in population databases (gnomAD no frequency). This variant has not been reported in the literature in individuals affected with SUN2-related conditions. An algorithm developed to predict the effect of missense changes on protein structure and function (PolyPhen-2) suggests that this variant is likely to be disruptive. In summary, the available evidence is currently insufficient to determine the role of this variant in disease. Therefore, it has been classified as a Variant of Uncertain Significance.

NM_015374.3(SUN2):c.1893G>C (p.Lys631Asn)

Genes: GTPBP1 (GTP binding protein 1; plus strand), SUN2 (Sad1 and UNC84 domain containing 2; minus strand). Cytogenetic location: 22q13.1.
Variant type: single nucleotide variant.
Coding change: c.1893G>C on transcript NM_015374.3 (MANE Select); coding-DNA position 1893, G replaced by C.
Protein change: p.Lys631Asn; replaces lysine 631 with asparagine.
Molecular consequence: missense variant.
Genome position (GRCh38, 1-based): chr22:38,738,641, C>G on the plus strand (G>C on the coding strand, the complement: SUN2 is on the minus strand). VCF-style: chr22-38738641-C-G. GRCh37 (hg19) VCF-style: chr22-39134646-C-G.
Other names: c.1956G>C, p.Lys652Asn (NM_001199579.2, NM_001394428.1); c.1893G>C, p.Lys631Asn (NM_001199580.2, NM_001394431.1, NM_001394432.1 and 3 more transcripts); c.1986G>C, p.Lys662Asn (NM_001394427.1); c.1938G>C, p.Lys646Asn (NM_001394429.1, NM_001394430.1); c.1890G>C, p.Lys630Asn (NM_001394436.1, NM_001394437.1); c.1803G>C, p.Lys601Asn (NM_001394438.1); c.1755G>C, p.Lys585Asn (NM_001394439.1, NM_001394440.1, NM_001394441.1); c.1494G>C, p.Lys498Asn (NM_001394442.1); and 2 more; short protein forms K439N, K498N, K662N, K467N, K601N, K631N, K646N, K585N.
Identifiers: ClinVar variation 4702763 (VCV004702763.1).
Genomic context (GRCh38, chr22:38,738,641, plus strand): 5'-ACTCACAAAGATGGCGAAGTCCTTGGGGGCACTGGAGATAGTGCTGTTGGGTGACAAGGC[C>G]TTGGGCACATGCTCTAAGGTAACGGCTGTGGGGCGGATGCGGGCAGAGAGGCGGACCACG-3'
Protein context (NP_056189.1, residues 621-641): PTAVTLEHVP[Lys631Asn]ALSPNSTISS